The following is an entry in ClinVar:

ClinVar aggregate classification (germline): Conflicting classifications of pathogenicity. Review status: criteria provided, conflicting classifications (1 of 4 stars). 10 submissions from 10 submitters: Uncertain significance (4); Likely benign (4). 2 of the submissions do not count toward it. Last evaluated 2026-04-13.

Conditions:
Breast-ovarian cancer, familial, susceptibility to, 2 (BROVCA2). Also called: BRCA2 Hereditary Breast and Ovarian Cancer. Identifiers: Orphanet 145, MedGen C2675520, MONDO:0012933, OMIM 612555. Disease mechanism: loss of function.
Fanconi anemia complementation group D1. Also called: BRCA2-Related Fanconi Anemia. Identifiers: Orphanet 319462, MedGen C1838457, MONDO:0011584, OMIM 605724.
Medulloblastoma (MDB). Also called: MEDULLOBLASTOMA PREDISPOSITION SYNDROME; Medulloblastoma, somatic. Identifiers: Orphanet 616, MedGen C0025149, MeSH D008527, MONDO:0007959, OMIM 155255, HP:0002885.
Pancreatic cancer, susceptibility to, 2. Identifiers: Orphanet 1333, MedGen C3150546, MONDO:0013235, OMIM 613347.
Glioma susceptibility 3 (GLM3). Also called: Glioblastoma 3. Identifiers: Orphanet 182067, Orphanet 360, MedGen C2751641, MONDO:0013093, OMIM 613029.
Wilms tumor 1 (WT1). Also called: Wilms tumor, somatic. Identifiers: Orphanet 654, MedGen CN033288, MONDO:0008679, OMIM 194070.
Familial cancer of breast. Also called: hereditary breast carcinoma; BREAST CANCER, FAMILIAL; Hereditary breast cancer. Identifiers: Orphanet 227535, MedGen C0346153, MONDO:0016419, OMIM 114480. Disease mechanism: loss of function.
Prostate cancer. Also called: Malignant tumor of prostate. Identifiers: Orphanet 1331, MedGen C0376358, MONDO:0008315, HP:0012125.
Hereditary cancer-predisposing syndrome. Also called: Hereditary Cancer Syndrome; Neoplastic Syndromes, Hereditary; Hereditary neoplastic syndrome; Tumor predisposition. Identifiers: Orphanet 140162, MedGen C0027672, MeSH D009386, MONDO:0015356.
Hereditary breast ovarian cancer syndrome. Also called: Hereditary breast and ovarian cancer syndrome; Breast and ovarian cancer; Hereditary breast and ovarian cancer syndrome (HBOC); BRCA1- and BRCA2-Associated Hereditary Breast and Ovarian Cancer; Hereditary breast and/or ovarian cancer syndrome; Hereditary breast and ovarian cancer. Identifiers: Orphanet 145, MedGen C0677776, MeSH D061325, MONDO:0003582. Disease mechanism: loss of function.
Malignant tumor of breast. Also called: Malignant breast neoplasm; Cancer breast. Identifiers: MedGen C0006142, MONDO:0007254. Disease mechanism: loss of function.

Allele frequency attached by ClinVar (database versions not stated): gnomAD exomes below 0.00001; TOPMed 0.00002; gnomAD 0.00001.

Submissions (10):

Women's Health and Genetics/Laboratory Corporation of America, LabCorp
Classification: Uncertain significance. Last evaluated: 2026-04-13. Review status: criteria provided, single submitter. Criteria: LabCorp Variant Classification Summary - May 2015. Collection method: clinical testing. Allele origin: germline.
Comment: Variant summary: BRCA2 c.4535G>A (p.Arg1512His) results in a non-conservative amino acid change in the encoded protein sequence. Algorithms developed to predict the effect of missense changes on protein structure and function are either unavailable or do not agree on the potential impact of this missense change. The variant allele was found at a frequency of 7.3e-06 in 272816 control chromosomes. The available data on variant occurrences in the general population are insufficient to allow any conclusion about variant significance. c.4535G>A has been observed in individual(s) affected with features of Hereditary Breast And Ovarian Cancer Syndrome and other types of cancer, without strong evidence for causality (Chmielecki_2014, Giannakis_2016, Shirota_2025). These report(s) do not provide unequivocal conclusions about association of the variant with Hereditary Breast And Ovarian Cancer Syndrome. Co-occurrences with other pathogenic variant(s) have been reported (BRCA2 c.5576_5579delTTAA, p.I1859fsX3), providing supporting evidence for a benign role. To our knowledge, no experimental evidence demonstrating an impact on protein function has been reported. The following publications have been ascertained in the context of this evaluation (PMID: 25266736, 27149842, 25348012, 30287823, 36243179, 40249378). ClinVar contains an entry for this variant (Variation ID: 51661). Based on the evidence outlined above, the variant was classified as VUS-possibly benign.

Labcorp Genetics (formerly Invitae), Labcorp
Classification: Likely benign for Hereditary breast ovarian cancer syndrome. Last evaluated: 2026-02-03. Review status: criteria provided, single submitter. Criteria: Invitae Variant Classification Sherloc (09022015). Collection method: clinical testing. Allele origin: germline.

GeneDx
Classification: Uncertain significance. Last evaluated: 2024-01-29. Review status: criteria provided, single submitter. Criteria: GeneDx Variant Classification Process June 2021. Collection method: clinical testing. Allele origin: germline. Affected: yes.
Comment: Not observed at significant frequency in large population cohorts (gnomAD); In silico analysis supports that this missense variant does not alter protein structure/function; Absent from cases but present in controls in a breast cancer case-control study (PMID: 30287823); Also known as 4763G>A; This variant is associated with the following publications: (PMID: 31131967, 34736091, 27149842, 25348012, 25266736, 32377563, 29884841, 30287823, 36243179)

Ambry Genetics
Classification: Likely benign for Hereditary cancer-predisposing syndrome. Last evaluated: 2023-10-30. Review status: criteria provided, single submitter. Criteria: Ambry Variant Classification Scheme 2023. Collection method: clinical testing. Allele origin: germline.

University of Washington Department of Laboratory Medicine, University of Washington
Classification: Likely benign for Hereditary cancer-predisposing syndrome. Last evaluated: 2023-03-23. Review status: criteria provided, single submitter. Criteria: Dines et al. (Genet Med. 2020). Collection method: curation. Allele origin: germline.
Comment: Missense variant in a coldspot region where missense variants are very unlikely to be pathogenic (PMID:31911673).

BRCA2 exon 11 coldspot. Reclassification based on statistical prior probability.

Fulgent Genetics
Classification: Uncertain significance for Familial cancer of breast; Medulloblastoma; Familial prostate cancer; Wilms tumor 1; Fanconi anemia complementation group D1; Breast-ovarian cancer, familial, susceptibility to, 2; Glioma susceptibility 3; Pancreatic cancer, susceptibility to, 2. Last evaluated: 2018-10-31. Review status: criteria provided, single submitter. Criteria: ACMG Guidelines, 2015. Collection method: clinical testing. Allele origin: unknown.

Quest Diagnostics Nichols Institute San Juan Capistrano
Classification: Uncertain significance. Last evaluated: 2018-05-11. Review status: criteria provided, single submitter. Criteria: Quest Diagnostics criteria. Collection method: clinical testing. Allele origin: germline.

Color Diagnostics, LLC DBA Color Health
Classification: Likely benign for Hereditary cancer-predisposing syndrome. Last evaluated: 2015-12-29. Review status: criteria provided, single submitter. Criteria: ACMG Guidelines, 2015. Collection method: clinical testing. Allele origin: germline.

Breast Cancer Information Core (BIC) (BRCA2)
Classification: Uncertain significance for Breast-ovarian cancer, familial 2. Last evaluated: 2002-05-29. Review status: no assertion criteria provided. Collection method: clinical testing. Allele origin: germline. Affected: yes. Observed: 2 variant alleles. Not counted in ClinVar's aggregate classification.

Department of Pathology and Laboratory Medicine, Sinai Health System
Classification: Uncertain significance for Malignant tumor of breast. Review status: no assertion criteria provided. Collection method: clinical testing. Allele origin: unknown. Affected: yes. Observed: 1 variant allele. Study: The Canadian Open Genetics Repository (COGR). Not counted in ClinVar's aggregate classification.
Comment: The p.Arg1512His variant has been identified in individuals with breast and ovarian cancer; however no control chromosomes were included in these studies (Sanz 2010, Lindor 2011, Michal et al.). It is listed in the dbSNP database as coming from a â€šÃ„Ãºclinical sourceâ€šÃ„Ã¹ (ID#:rs80358685) however no frequency information was provided. This residue is not highly conserved in mammals and computational analyses (PolyPhen2, SIFT, AlignGVGD) do not suggest a high likelihood of impact to the protein. Other variants impacting the same amino acid position (p.Arg1512Cys (2X) and p.Arg1512Pro (1X)) have been presented in the BIC database as having unknown clinical significance. In summary, the clinical significance of this variant cannot be determined with certainty at this time. Therefore this variant is classified as a variant of unknown significance (VUS).

Literature cited by the submitters: PubMed 25348012 (cited by Women's Health and Genetics/Laboratory Corporation of America, LabCorp); PubMed 25266736 (cited by Women's Health and Genetics/Laboratory Corporation of America, LabCorp); PubMed 30287823 (cited by Women's Health and Genetics/Laboratory Corporation of America, LabCorp and Ambry Genetics); PubMed 27149842 (cited by Women's Health and Genetics/Laboratory Corporation of America, LabCorp); PubMed 36243179 (cited by Women's Health and Genetics/Laboratory Corporation of America, LabCorp); PubMed 40249378 (cited by Women's Health and Genetics/Laboratory Corporation of America, LabCorp).

NM_000059.4(BRCA2):c.4535G>A (p.Arg1512His)

Gene: BRCA2 (BRCA2 DNA repair associated; plus strand). Cytogenetic location: 13q13.1.
Variant type: single nucleotide variant.
Coding change: c.4535G>A on transcript NM_000059.4 (MANE Select); coding-DNA position 4535, G replaced by A.
Protein change: p.Arg1512His; replaces arginine 1512 with histidine.
Molecular consequence: missense variant.
Genome position (GRCh38, 1-based): chr13:32,338,890, G>A. VCF-style: chr13-32338890-G-A. GRCh37 (hg19) VCF-style: chr13-32913027-G-A.
Other names: short protein forms R1512H.
Identifiers: ClinVar variation 51661 (VCV000051661.29), dbSNP rs80358685, ClinGen allele CA020346.